The following is an entry in ClinVar:

NM_005732.4(RAD50):c.1152G>C (p.Glu384Asp)

Gene: RAD50 (RAD50 double strand break repair protein; plus strand). Cytogenetic location: 5q31.1.
Variant type: single nucleotide variant.
Coding change: c.1152G>C on transcript NM_005732.4 (MANE Select); coding-DNA position 1152, G replaced by C.
Protein change: p.Glu384Asp; replaces glutamic acid 384 with aspartic acid.
Molecular consequence: missense variant.
Genome position (GRCh38, 1-based): chr5:132,588,787, G>C. VCF-style: chr5-132588787-G-C. GRCh37 (hg19) VCF-style: chr5-131924479-G-C.
Other names: short protein forms E384D.
Identifiers: ClinVar variation 1734476 (VCV001734476.2), dbSNP rs2149841120, ClinGen allele CA360942703.

ClinVar aggregate classification (germline): Uncertain significance (1 of 4 stars; one submission).

Conditions:
Hereditary cancer-predisposing syndrome. Also called: Neoplastic Syndromes, Hereditary; Tumor predisposition; Hereditary Cancer Syndrome; Hereditary neoplastic syndrome. Identifiers: Orphanet 140162, MedGen C0027672, MeSH D009386, MONDO:0015356.

Submission:

Ambry Genetics
Classification: Uncertain significance for Hereditary cancer-predisposing syndrome. Last evaluated: 2019-11-08. Review status: criteria provided, single submitter. Criteria: Ambry Variant Classification Scheme 2023. Collection method: clinical testing. Allele origin: germline.
Comment: The p.E384D variant (also known as c.1152G>C), located in coding exon 8 of the RAD50 gene, results from a G to C substitution at nucleotide position 1152. The glutamic acid at codon 384 is replaced by aspartic acid, an amino acid with highly similar properties. This amino acid position is not well conserved in available vertebrate species. In addition, this alteration is predicted to be tolerated by in silico analysis. Since supporting evidence is conflicting at this time, the clinical significance of this alteration remains unclear.